The following is an entry in ClinVar:

ClinVar aggregate classification (germline): Likely benign. Review status: criteria provided, single submitter (1 of 4 stars). 2 submissions from 2 submitters: Likely benign (1). 1 of the submissions does not count toward it. Last evaluated 2025-10-04.

Conditions:
HNRNPA2B1-related disorder. Also called: HNRNPA2B1-related condition.
Inclusion body myopathy with early-onset Paget disease with or without frontotemporal dementia 2 (IBMPFD2). Also called: MULTISYSTEM PROTEINOPATHY 2. Identifiers: MedGen C3809468, MONDO:0014178, OMIM 615422.

Allele frequency attached by ClinVar (database versions not stated): ExAC 0.00003; gnomAD 0.00003 and 0.00004; gnomAD exomes 0.00006; TOPMed 0.00004.

Submissions (2):

Labcorp Genetics (formerly Invitae), Labcorp
Classification: Likely benign for Inclusion body myopathy with early-onset Paget disease with or without frontotemporal dementia 2. Last evaluated: 2025-10-04. Review status: criteria provided, single submitter. Criteria: Invitae Variant Classification Sherloc (09022015). Collection method: clinical testing. Allele origin: germline.

PreventionGenetics, part of Exact Sciences
Classification: Likely benign for HNRNPA2B1-related condition. Last evaluated: 2022-12-22. Review status: no assertion criteria provided. Collection method: clinical testing. Allele origin: germline. Not counted in ClinVar's aggregate classification.
Comment: This variant is classified as likely benign based on ACMG/AMP sequence variant interpretation guidelines (Richards et al. 2015 PMID: 25741868, with internal and published modifications).

NM_002137.4(HNRNPA2B1):c.255A>T (p.Val85=)

Gene: HNRNPA2B1 (heterogeneous nuclear ribonucleoprotein A2/B1; minus strand). Cytogenetic location: 7p15.2.
Variant type: single nucleotide variant.
Coding change: c.255A>T on transcript NM_002137.4 (MANE Select); coding-DNA position 255, A replaced by T.
Protein change: p.Val85=; no amino-acid change (valine 85 retained).
Molecular consequence: synonymous variant.
Genome position (GRCh38, 1-based): chr7:26,197,324, T>A on the plus strand (A>T on the coding strand, the complement: HNRNPA2B1 is on the minus strand). VCF-style: chr7-26197324-T-A. GRCh37 (hg19) VCF-style: chr7-26236944-T-A.
Other names: c.291A>T, p.Val97= (NM_031243.4).
Identifiers: ClinVar variation 1150367 (VCV001150367.11), dbSNP rs766034699, ClinGen allele CA4194737.